The following is an entry in ClinVar:

ClinVar aggregate classification (germline): Pathogenic (1 of 4 stars; one submission).

Submission:

Labcorp Genetics (formerly Invitae), Labcorp
Classification: Pathogenic. Last evaluated: 2025-04-02. Review status: criteria provided, single submitter. Criteria: Invitae Variant Classification Sherloc (09022015). Collection method: clinical testing. Allele origin: germline.
Comment: This sequence change creates a premature translational stop signal (p.Gln554*) in the CYLD gene. It is expected to result in an absent or disrupted protein product. Loss-of-function variants in CYLD are known to be pathogenic (PMID: 19462465). This variant is not present in population databases (gnomAD no frequency). This variant has not been reported in the literature in individuals affected with CYLD-related conditions. Algorithms developed to predict the effect of sequence changes on RNA splicing suggest that this variant may disrupt the consensus splice site. For these reasons, this variant has been classified as Pathogenic.

Literature cited by the submitters: PubMed 19462465.

NM_001378743.1(CYLD):c.1660C>T (p.Gln554Ter)

Gene: CYLD (CYLD lysine 63 deubiquitinase; plus strand). Cytogenetic location: 16q12.1.
Variant type: single nucleotide variant.
Coding change: c.1660C>T on transcript NM_001378743.1 (MANE Select); coding-DNA position 1660, C replaced by T.
Protein change: p.Gln554Ter; replaces glutamine 554 with a stop codon.
Molecular consequence: nonsense.
Genome position (GRCh38, 1-based): chr16:50,781,387, C>T. VCF-style: chr16-50781387-C-T. GRCh37 (hg19) VCF-style: chr16-50815298-C-T.
Other names: c.1651C>T, p.Gln551Ter (NM_001042355.2, NM_001042412.3, NM_001378744.1 and 6 more transcripts); c.1621C>T, p.Gln541Ter (NM_001378751.1, NM_001378752.1, NM_001378753.1); c.985C>T, p.Gln329Ter (NM_001378754.1, NM_001378755.1); c.1660C>T, p.Gln554Ter (NM_015247.3); short protein forms Q541*, Q329*, Q554*, Q551*.
Identifiers: ClinVar variation 4716546 (VCV004716546.1).